The following is an entry in ClinVar:

ClinVar aggregate classification (germline): Pathogenic (1 of 4 stars; one submission).

Conditions:
Fanconi anemia (FA). Also called: Fanconi's anemia. Identifiers: Orphanet 84, MedGen C0015625, MeSH D005199, MONDO:0019391.

Submission:

Labcorp Genetics (formerly Invitae), Labcorp
Classification: Pathogenic for Fanconi anemia. Last evaluated: 2022-07-08. Review status: criteria provided, single submitter. Criteria: Invitae Variant Classification Sherloc (09022015). Collection method: clinical testing. Allele origin: germline.
Comment: For these reasons, this variant has been classified as Pathogenic. This variant has not been reported in the literature in individuals affected with SLX4-related conditions. This variant is not present in population databases (gnomAD no frequency). This sequence change creates a premature translational stop signal (p.Gln934Serfs*67) in the SLX4 gene. It is expected to result in an absent or disrupted protein product. Loss-of-function variants in SLX4 are known to be pathogenic (PMID: 21240277).

Literature cited by the submitters: PubMed 21240277.

NM_032444.4(SLX4):c.2800del (p.Gln934fs)

Gene: SLX4 (SLX4 structure-specific endonuclease subunit; minus strand). Cytogenetic location: 16p13.3.
Variant type: Deletion.
Coding change: c.2800del on transcript NM_032444.4 (MANE Select); coding-DNA position 2800, one base deleted (C; older notation c.2800delC).
Protein change: p.Gln934fs; shifts the reading frame from glutamine 934.
Molecular consequence: frameshift variant.
Genome position (GRCh38, 1-based): chr16:3,590,838, G deleted on the plus strand (C on the coding strand, the reverse complement: SLX4 is on the minus strand); the first of 2 consecutive G bases (chr16:3,590,838-3,590,839); deleting either gives the same sequence. VCF-style (leftmost placement, unchanged base first): chr16-3590837-TG-T. GRCh37 (hg19) VCF-style: chr16-3640838-TG-T.
Other names: short protein forms Q934fs.
Identifiers: ClinVar variation 1936637 (VCV001936637.5), dbSNP rs1316648174, ClinGen allele CA720536279.
Genomic context (GRCh38, chr16:3,590,837, plus strand): 5'-CCAAGCGCCTCCTCTGGCGCCTCCTGCTCAGGGGCCTCTGCTCCCCGTGCCCCTGAGTGC[TG>T]GCCCTGGGGTGGCGGGAGAGCGCACTGTCCCATCTTCTCCCAGGTGGTGGCGGCCTCATC-3'